The following is an entry in ClinVar:

NM_012463.4(ATP6V0A2):c.2438C>T (p.Ala813Val)

Gene: ATP6V0A2 (ATPase H+ transporting V0 subunit a2; plus strand). Cytogenetic location: 12q24.31.
Variant type: single nucleotide variant.
Coding change: c.2438C>T on transcript NM_012463.4 (MANE Select); coding-DNA position 2438, C replaced by T.
Protein change: p.Ala813Val; replaces alanine 813 with valine.
Molecular consequence: missense variant.
Genome position (GRCh38, 1-based): chr12:123,756,959, C>T. VCF-style: chr12-123756959-C-T. GRCh37 (hg19) VCF-style: chr12-124241506-C-T.
Other names: NM_012463.3(ATP6V0A2):c.2438C>T(p.Ala813Val); short protein forms A813V.
Identifiers: ClinVar variation 95521 (VCV000095521.22), dbSNP rs17883456, ClinGen allele CA148592.

ClinVar aggregate classification (germline): Benign. Review status: criteria provided, multiple submitters, no conflicts (2 of 4 stars). 8 submissions from 8 submitters: Benign (6). 2 of the submissions do not count toward it. Last evaluated 2026-02-04.

Conditions:
ALG9 congenital disorder of glycosylation (CDG1L). Also called: CDG Il; ALG9-CDG; CONGENITAL DISORDER OF GLYCOSYLATION, TYPE Il. Identifiers: Orphanet 79328, MedGen C2931006, MONDO:0012117, OMIM 608776.
Cutis laxa with osteodystrophy (ARCL2A). Also called: Debré-Type Cutis Laxa; CUTIS LAXA WITH CONGENITAL DISORDER OF GLYCOSYLATION; CUTIS LAXA, AUTOSOMAL RECESSIVE, TYPE IIA; CUTIS LAXA WITH BONE DYSTROPHY; CUTIS LAXA WITH GROWTH AND DEVELOPMENTAL DELAY; CUTIS LAXA WITH JOINT LAXITY AND RETARDED DEVELOPMENT. Identifiers: Orphanet 357058, MedGen C0268355, MONDO:0018163, OMIM 219200. Disease mechanism: loss of function.

Allele frequency attached by ClinVar (database versions not stated): TOPMed 0.02273; gnomAD exomes 0.02818 and 0.03242; 1000 Genomes Project 0.01478; 1000 Genomes Project 30x 0.01421; gnomAD 0.02508 and 0.02527; ESP Exome Variant Server 0.02583; ExAC 0.02835.
gnomAD v4.1: 51,182 of 1,614,172 alleles (3.2%); highest among the groups gnomAD compares: Middle Eastern, 5.9%; 968 homozygotes.

Submissions (8):

Labcorp Genetics (formerly Invitae), Labcorp
Classification: Benign for ALG9 congenital disorder of glycosylation. Last evaluated: 2026-02-04. Review status: criteria provided, single submitter. Criteria: Invitae Variant Classification Sherloc (09022015). Collection method: clinical testing. Allele origin: germline.

SIB Swiss Institute of Bioinformatics
Classification: Benign. Last evaluated: 2018-05-31. Review status: criteria provided, single submitter. Criteria: ACMG Guidelines, 2015. Collection method: curation. Allele origin: unknown.
Comment: This variant is interpreted as a Benign - Stand Alone. The following ACMG Tag(s) were applied: BA1 => Allele frequency is >5% in gnomAD (Ashkenazi Jewish population) and about 3% in other populations in Exome Aggregation Consortium.

Illumina Laboratory Services, Illumina
Classification: Benign for Cutis laxa with osteodystrophy. Last evaluated: 2018-01-13. Review status: criteria provided, single submitter. Criteria: ICSL Variant Classification Criteria 13 December 2019. Collection method: clinical testing. Allele origin: germline.
Comment: This variant was observed in the ICSL laboratory as part of a predisposition screen in an ostensibly healthy population. It had not been previously curated by ICSL or reported in the Human Gene Mutation Database (HGMD: prior to June 1st, 2018), and was therefore a candidate for classification through an automated scoring system. Utilizing variant allele frequency, disease prevalence and penetrance estimates, and inheritance mode, an automated score was calculated to assess if this variant is too frequent to cause the disease. Based on the score and internal cut-off values, a variant classified as benign is not then subjected to further curation. The score for this variant resulted in a classification of benign for this disease.

GeneDx
Classification: Benign. Last evaluated: 2016-01-22. Review status: criteria provided, single submitter. Criteria: GeneDx Variant Classification (06012015). Collection method: clinical testing. Allele origin: germline. Affected: yes.
Comment: This variant is considered likely benign or benign based on one or more of the following criteria: it is a conservative change, it occurs at a poorly conserved position in the protein, it is predicted to be benign by multiple in silico algorithms, and/or has population frequency not consistent with disease.

Eurofins Ntd Llc (ga)
Classification: Benign. Last evaluated: 2013-10-02. Review status: criteria provided, single submitter. Criteria: EGL Classification Definitions 2015. Collection method: clinical testing. Allele origin: germline. Observed: 5 variant alleles, 4 heterozygotes, 1 homozygote.

Breakthrough Genomics
Classification: Benign. Review status: criteria provided, single submitter. Criteria: ACMG Guidelines, 2015. Collection method: not provided. Allele origin: germline. Inheritance: Autosomal recessive inheritance. Affected: yes.

Clinical Genetics DNA and cytogenetics Diagnostics Lab, Erasmus MC, Erasmus Medical Center
Classification: Benign. Review status: no assertion criteria provided. Collection method: clinical testing. Allele origin: germline. Affected: yes. Study: VKGL Data-share Consensus. Not counted in ClinVar's aggregate classification.

Joint Genome Diagnostic Labs from Nijmegen and Maastricht, Radboudumc and MUMC+
Classification: Benign. Review status: no assertion criteria provided. Collection method: clinical testing. Allele origin: germline. Affected: yes. Study: VKGL Data-share Consensus. Not counted in ClinVar's aggregate classification.